The following is an entry in ClinVar:

NM_138694.4(PKHD1):c.2927C>G (p.Ser976Ter)

Gene: PKHD1 (PKHD1 ciliary IPT domain containing fibrocystin/polyductin; minus strand). Cytogenetic location: 6p12.2.
Variant type: single nucleotide variant.
Coding change: c.2927C>G on transcript NM_138694.4 (MANE Select); coding-DNA position 2927, C replaced by G.
Protein change: p.Ser976Ter; replaces serine 976 with a stop codon.
Molecular consequence: nonsense.
Genome position (GRCh38, 1-based): chr6:52,043,029, G>C on the plus strand (C>G on the coding strand, the complement: PKHD1 is on the minus strand). VCF-style: chr6-52043029-G-C. GRCh37 (hg19) VCF-style: chr6-51907827-G-C.
Other names: c.2927C>G, p.Ser976Ter (NM_170724.3); short protein forms S976*.
Identifiers: ClinVar variation 5012827 (VCV005012827.1).

ClinVar aggregate classification (germline): Pathogenic (1 of 4 stars; one submission).

Conditions:
Polycystic kidney disease 4 (PKD4). Also called: POLYCYSTIC KIDNEY AND HEPATIC DISEASE 1; POLYCYSTIC KIDNEY DISEASE, INFANTILE, TYPE I; POLYCYSTIC KIDNEY DISEASE 4 WITH OR WITHOUT POLYCYSTIC LIVER DISEASE; PKD3; Autosomal Recessive Polycystic Kidney Disease – PKHD1. Identifiers: MedGen C4540575, MONDO:0033004, OMIM 263200.

Submission:

Myriad Genetics, Inc.
Classification: Pathogenic for Polycystic kidney disease 4. Last evaluated: 2024-03-18. Review status: criteria provided, single submitter. Criteria: Myriad Autosomal Dominant, Autosomal Recessive and X-Linked Classification Criteria (2023). Collection method: clinical testing. Allele origin: unknown.
Comment: NM_138694.3(PKHD1):c.2927C>G(S976*) is expected to be pathogenic in the context of autosomal recessive polycystic kidney disease, PKHD1-related. This variant is predicted to lead to an abnormal or absent protein product due to the creation of a premature termination codon in PKHD1, a gene where loss-of-function variants are known to be pathogenic. Please note: this variant was assessed in the context of healthy population screening.